The following is an entry in ClinVar:

ClinVar aggregate classification (germline): Conflicting classifications of pathogenicity. Review status: criteria provided, conflicting classifications (1 of 4 stars). 2 submissions from 2 submitters: Uncertain significance (1); Benign (1). Last evaluated 2025-11-21.

Conditions:
Primary ciliary dyskinesia. Also called: Ciliary dyskinesia. Identifiers: Orphanet 244, MedGen C0008780, MONDO:0016575, HP:0012265.

Allele frequency attached by ClinVar (database versions not stated): ExAC 0.00003; gnomAD exomes 0.00004; gnomAD 0.00005; TOPMed 0.00006.
gnomAD v4.1: 67 of 1,611,930 alleles (0.0042%); highest among the groups gnomAD compares: Middle Eastern, 0.033%; no homozygotes.

Submissions (2):

Labcorp Genetics (formerly Invitae), Labcorp
Classification: Benign for Primary ciliary dyskinesia. Last evaluated: 2025-11-21. Review status: criteria provided, single submitter. Criteria: Invitae Variant Classification Sherloc (09022015). Collection method: clinical testing. Allele origin: germline.

Ambry Genetics
Classification: Uncertain significance for Primary ciliary dyskinesia. Last evaluated: 2014-09-04. Review status: criteria provided, single submitter. Criteria: Ambry Variant Classification Scheme 2023. Collection method: clinical testing. Allele origin: germline.
Comment: The p.N563S variant (also known as c.1688A>G), located in coding exon 9 of the DNAH11 gene, results from an A to G substitution at nucleotide position 1688. The asparagine at codon 563 is replaced by serine, an amino acid with highly similar properties. This variant was not reported in population based cohorts in the following databases: Database of Single Nucleotide Polymorphisms (dbSNP), NHLBI Exome Sequencing Project (ESP), and 1000 Genomes Project. In the ESP, this variant was not observed in 5890 samples (11780 alleles) with coverage at this position. This amino acid position is not conserved on species alignment. In addition, serine is the reference amino acid in several species. In addition, this alteration is predicted to be tolerated by in silico analysis. Since supporting evidence is limited at this time, the clinical significance of this variant remains unclear.

NM_001277115.2(DNAH11):c.1688A>G (p.Asn563Ser)

Gene: DNAH11 (dynein axonemal heavy chain 11; plus strand). Cytogenetic location: 7p15.3.
Variant type: single nucleotide variant.
Coding change: c.1688A>G on transcript NM_001277115.2 (MANE Select); coding-DNA position 1688, A replaced by G.
Protein change: p.Asn563Ser; replaces asparagine 563 with serine.
Molecular consequence: missense variant.
Genome position (GRCh38, 1-based): chr7:21,581,999, A>G. VCF-style: chr7-21581999-A-G. GRCh37 (hg19) VCF-style: chr7-21621617-A-G.
Other names: c.1688A>G, p.Asn563Ser (NM_003777.3); short protein forms N563S.
Identifiers: ClinVar variation 1778049 (VCV001778049.7), dbSNP rs746506506, ClinGen allele CA4179062.